The following is an entry in ClinVar:

NM_020937.4(FANCM):c.4213T>G (p.Ser1405Ala)

Gene: FANCM (FA complementation group M; plus strand). Cytogenetic location: 14q21.2.
Variant type: single nucleotide variant.
Coding change: c.4213T>G on transcript NM_020937.4 (MANE Select); coding-DNA position 4213, T replaced by G.
Protein change: p.Ser1405Ala; replaces serine 1405 with alanine.
Molecular consequence: missense variant.
Genome position (GRCh38, 1-based): chr14:45,176,967, T>G. VCF-style: chr14-45176967-T-G. GRCh37 (hg19) VCF-style: chr14-45646170-T-G.
Other names: c.4135T>G, p.Ser1379Ala (NM_001308133.2); short protein forms S1405A, S1379A.
Identifiers: ClinVar variation 857434 (VCV000857434.10), dbSNP rs1412826290, ClinGen allele CA389604764.

ClinVar aggregate classification (germline): Uncertain significance. Review status: criteria provided, multiple submitters, no conflicts (2 of 4 stars). 2 submissions from 2 submitters: Uncertain significance (2). Last evaluated 2025-03-10.

Conditions:
Inborn genetic diseases. Identifiers: MedGen C0950123, MeSH D030342.
Fanconi anemia (FA). Also called: Fanconi's anemia. Identifiers: Orphanet 84, MedGen C0015625, MeSH D005199, MONDO:0019391.

Allele frequency attached by ClinVar (database versions not stated): gnomAD exomes below 0.00001; gnomAD 0.00001.
gnomAD v4.1: 2 of 1,577,374 alleles (0.00013%); highest among the groups gnomAD compares: African/African-American, 0.0027%; no homozygotes.

Submissions (2):

Ambry Genetics
Classification: Uncertain significance for Inborn genetic diseases. Last evaluated: 2025-03-10. Review status: criteria provided, single submitter. Criteria: Ambry Variant Classification Scheme 2023. Collection method: clinical testing. Allele origin: germline.
Comment: The p.S1405A variant (also known as c.4213T>G), located in coding exon 14 of the FANCM gene, results from a T to G substitution at nucleotide position 4213. The serine at codon 1405 is replaced by alanine, an amino acid with similar properties. This amino acid position is conserved. In addition, this alteration is predicted to be tolerated by in silico analysis. Based on the available evidence, the clinical significance of this variant remains unclear.

Labcorp Genetics (formerly Invitae), Labcorp
Classification: Uncertain significance for Fanconi anemia. Last evaluated: 2022-09-26. Review status: criteria provided, single submitter. Criteria: Invitae Variant Classification Sherloc (09022015). Collection method: clinical testing. Allele origin: germline.
Comment: This sequence change replaces serine, which is neutral and polar, with alanine, which is neutral and non-polar, at codon 1405 of the FANCM protein (p.Ser1405Ala). This variant is present in population databases (no rsID available, gnomAD 0.009%). This variant has not been reported in the literature in individuals affected with FANCM-related conditions. ClinVar contains an entry for this variant (Variation ID: 857434). Algorithms developed to predict the effect of missense changes on protein structure and function (SIFT, PolyPhen-2, Align-GVGD) all suggest that this variant is likely to be tolerated. In summary, the available evidence is currently insufficient to determine the role of this variant in disease. Therefore, it has been classified as a Variant of Uncertain Significance.